The following is an entry in ClinVar:

NM_032578.4(MYPN):c.794T>C (p.Leu265Pro)

Gene: MYPN (myopalladin; plus strand). Cytogenetic location: 10q21.3.
Variant type: single nucleotide variant.
Coding change: c.794T>C on transcript NM_032578.4 (MANE Select); coding-DNA position 794, T replaced by C.
Protein change: p.Leu265Pro; replaces leucine 265 with proline.
Molecular consequence: missense variant. On other transcripts: 5 prime UTR variant (1), non-coding transcript variant (1).
Genome position (GRCh38, 1-based): chr10:68,122,232, T>C. VCF-style: chr10-68122232-T-C. GRCh37 (hg19) VCF-style: chr10-69881989-T-C.
Other names: p.Leu265Pro; c.794T>C, p.Leu265Pro (NM_001256267.2); c.-329T>C (NM_001256268.2); c.794T>C (NM_032578.3); short protein forms L265P.
Identifiers: ClinVar variation 1488418 (VCV001488418.15), dbSNP rs766534329, ClinGen allele CA5522334.

ClinVar aggregate classification (germline): Uncertain significance. Review status: criteria provided, multiple submitters, no conflicts (2 of 4 stars). 5 submissions from 5 submitters: Uncertain significance (5). Last evaluated 2026-02-01.

Conditions:
Dilated cardiomyopathy 1KK (CMD1KK). Identifiers: Orphanet 154, Orphanet 75249, MedGen C3714995, MONDO:0014100, OMIM 615248.
Cardiovascular phenotype. Identifiers: MedGen CN230736.

Allele frequency attached by ClinVar (database versions not stated): gnomAD exomes below 0.00001 and 0.00002; ExAC 0.00001; TOPMed 0.00001.
gnomAD v4.1: 26 of 1,612,392 alleles (0.0016%); highest among the groups gnomAD compares: East Asian, 0.0022%; no homozygotes.

Submissions (5):

CeGaT Center for Human Genetics Tuebingen
Classification: Uncertain significance. Last evaluated: 2026-02-01. Review status: criteria provided, single submitter. Criteria: CeGaT Center For Human Genetics Tuebingen Variant Classification Criteria Version 2. Collection method: clinical testing. Allele origin: germline. Affected: yes. Observed: 1 variant allele.
Comment: MYPN: PM2

Mayo Clinic Laboratories, Mayo Clinic
Classification: Uncertain significance. Last evaluated: 2025-10-23. Review status: criteria provided, single submitter. Criteria: ACMG Guidelines, 2015. Collection method: clinical testing. Allele origin: germline. Observed: 1 variant allele.
Comment: BP4, BP5, PM2_supporting

GeneDx
Classification: Uncertain significance. Last evaluated: 2025-06-02. Review status: criteria provided, single submitter. Criteria: GeneDx Variant Classification Process June 2021. Collection method: clinical testing. Allele origin: germline. Affected: yes.
Comment: Not observed at significant frequency in large population cohorts (gnomAD); In silico analysis suggests that this missense variant does not alter protein structure/function; Has not been previously published as pathogenic or benign to our knowledge

Ambry Genetics
Classification: Uncertain significance for Cardiovascular phenotype. Last evaluated: 2024-06-23. Review status: criteria provided, single submitter. Criteria: Ambry Variant Classification Scheme 2023. Collection method: clinical testing. Allele origin: germline.
Comment: The p.L265P variant (also known as c.794T>C), located in coding exon 1 of the MYPN gene, results from a T to C substitution at nucleotide position 794. The leucine at codon 265 is replaced by proline, an amino acid with similar properties. This amino acid position is conserved. In addition, the in silico prediction for this alteration is inconclusive. Since supporting evidence is limited at this time, the clinical significance of this alteration remains unclear.

Labcorp Genetics (formerly Invitae), Labcorp
Classification: Uncertain significance for Dilated cardiomyopathy 1KK. Last evaluated: 2022-07-30. Review status: criteria provided, single submitter. Criteria: Invitae Variant Classification Sherloc (09022015). Collection method: clinical testing. Allele origin: germline.
Comment: This sequence change replaces leucine, which is neutral and non-polar, with proline, which is neutral and non-polar, at codon 265 of the MYPN protein (p.Leu265Pro). This variant is present in population databases (rs766534329, gnomAD 0.0009%). This variant has not been reported in the literature in individuals affected with MYPN-related conditions. ClinVar contains an entry for this variant (Variation ID: 1488418). Algorithms developed to predict the effect of missense changes on protein structure and function are either unavailable or do not agree on the potential impact of this missense change (SIFT: "Deleterious"; PolyPhen-2: "Possibly Damaging"; Align-GVGD: "Class C0"). In summary, the available evidence is currently insufficient to determine the role of this variant in disease. Therefore, it has been classified as a Variant of Uncertain Significance.